The following is an entry in ClinVar:

NM_000492.4(CFTR):c.1675G>A (p.Ala559Thr)

Genes: CFTR (CF transmembrane conductance regulator; plus strand), LOC111674475 (CFTR intron 11 enhancer; plus strand). Cytogenetic location: 7q31.2.
Variant type: single nucleotide variant.
Coding change: c.1675G>A on transcript NM_000492.4 (MANE Select); coding-DNA position 1675, G replaced by A.
Protein change: p.Ala559Thr; replaces alanine 559 with threonine.
Molecular consequence: missense variant.
Genome position (GRCh38, 1-based): chr7:117,587,829, G>A. VCF-style: chr7-117587829-G-A. GRCh37 (hg19) VCF-style: chr7-117227883-G-A.
Other names: short protein forms A559T.
Identifiers: ClinVar variation 7123 (VCV000007123.41), dbSNP rs75549581, ClinGen allele CA340637.

ClinVar aggregate classification (germline): Pathogenic. Review status: reviewed by expert panel (3 of 4 stars). 18 submissions from 17 submitters: Pathogenic (1). 17 of the submissions do not count toward it. Last evaluated 2017-03-17.

Conditions:
CFTR-related disorder (CFTR-RD). Also called: CFTR-related condition; CFTR-related disorders. Identifiers: MedGen C5924204, MONDO:7770004.
Cystic fibrosis (CF). Also called: MUCOVISCIDOSIS. Identifiers: Orphanet 586, MedGen C0010674, MONDO:0009061, OMIM 219700. Disease mechanism: loss of function.
Congenital bilateral aplasia of vas deferens from CFTR mutation (CBAVD). Identifiers: Orphanet 48, MedGen C0403814, MONDO:0010178, OMIM 277180. Disease mechanism: loss of function.
Hereditary pancreatitis (PCTT). Also called: PRSS1-Related Hereditary Pancreatitis; Hereditary chronic pancreatitis. Identifiers: Orphanet 676, MedGen C0238339, MONDO:0008185, OMIM 167800.
Bronchiectasis with or without elevated sweat chloride 1 (BESC1). Also called: Cystic Fibrosis-Like Syndrome. Identifiers: Orphanet 60033, MedGen C2749757, MONDO:0008887, OMIM 211400.

Allele frequency attached by ClinVar (database versions not stated): gnomAD exomes 0.00001; ExAC 0.00002; gnomAD 0.00006; TOPMed 0.00008.
gnomAD v4.1: 32 of 1,576,110 alleles (0.002%); highest among the groups gnomAD compares: African/African-American, 0.036%; no homozygotes.

Submissions 1 to 13 of 18:

CFTR2
Classification: Pathogenic for Cystic fibrosis. Last evaluated: 2017-03-17. Review status: reviewed by expert panel. Criteria: Sosnay PR et al. (Nat Genet 2013). Collection method: research. Allele origin: germline. Affected: yes. Study: CFTR2.

PreventionGenetics, part of Exact Sciences
Classification: Pathogenic for CFTR-related condition. Last evaluated: 2026-07-13. Review status: criteria provided, single submitter. Criteria: ACMG Guidelines, 2015. Collection method: clinical testing. Allele origin: germline. Not counted in ClinVar's aggregate classification.
Comment: The CFTR c.1675G>A variant is predicted to result in the amino acid substitution p.Ala559Thr. This variant has been reported to be causative for cystic fibrosis (referred to as G1807>A in Cutting et al. 1990. PubMed ID: 1695717; Sosnay et al. 2013. PubMed ID: 23974870). In vitro functional studies show this variant affects CFTR protein function (Van Goor et al. 2014. PubMed ID: 23891399). This variant is reported in 0.024% of alleles in individuals of African descent in gnomAD and is interpreted as pathogenic in ClinVar (Variation ID: 7123). This variant is interpreted as pathogenic.

Natera, Inc.
Classification: Pathogenic for CFTR-related disorders. Last evaluated: 2026-01-05. Review status: criteria provided, single submitter. Criteria: Natera Variant Classification Schema (03/2026). Collection method: clinical testing. Allele origin: germline. Not counted in ClinVar's aggregate classification.
Comment: The c.1675G>A variant in CFTR is a missense variant predicted to cause substitution of alanine to threonine at amino acid 559. This variant is rare in the general population with a frequency below the threshold expected for the associated phenotype(s). This variant has been observed in one or more individuals affected with the associated recessive disease, as either homozygous or compound heterozygous with a second variant (PMID: 30888834, 7668304, 32084388). Computational prediction algorithms indicate this variant is likely to affect gene or protein function. Given the available evidence, this variant is classified as Pathogenic.

Labcorp Genetics (formerly Invitae), Labcorp
Classification: Pathogenic for Cystic fibrosis. Last evaluated: 2025-11-30. Review status: criteria provided, single submitter. Criteria: Invitae Variant Classification Sherloc (09022015). Collection method: clinical testing. Allele origin: germline. Not counted in ClinVar's aggregate classification.
Comment: This sequence change replaces alanine, which is neutral and non-polar, with threonine, which is neutral and polar, at codon 559 of the CFTR protein (p.Ala559Thr). This variant is present in population databases (rs75549581, gnomAD 0.02%). This missense change has been observed in individual(s) with cystic fibrosis (PMID: 1695717, 7668304, 9150159, 9950364, 12007216, 18456578, 23670503, 23974870, 25489051). In at least one individual the data is consistent with being in trans (on the opposite chromosome) from a pathogenic variant. ClinVar contains an entry for this variant (Variation ID: 7123). Invitae Evidence Modeling of protein sequence and biophysical properties (such as structural, functional, and spatial information, amino acid conservation, physicochemical variation, residue mobility, and thermodynamic stability) indicates that this missense variant is expected to disrupt CFTR protein function with a positive predictive value of 80%. Experimental studies have shown that this missense change affects CFTR function (PMID: 1712898, 23891399, 23974870). For these reasons, this variant has been classified as Pathogenic.

Ambry Genetics
Classification: Pathogenic for Cystic fibrosis. Last evaluated: 2025-11-19. Review status: criteria provided, single submitter. Criteria: Ambry Variant Classification Scheme 2023. Collection method: clinical testing. Allele origin: germline. Not counted in ClinVar's aggregate classification.
Comment: The p.A559T pathogenic mutation (also known as c.1675G>A), located in coding exon 12 of the CFTR gene, results from a G to A substitution at nucleotide position 1675. The alanine at codon 559 is replaced by threonine, an amino acid with similar properties. This variant has been identified in the homozygous state and/or in conjunction with other CFTR variant(s) in individual(s) with features consistent with cystic fibrosis (McDowell T et al. Am. J. Hum. Genet., 1995 Sep;57:734; Sosnay PR et al. Nat. Genet., 2013 Oct;45:1160-7). In addition, in vitro functional studies showed reduced mature CFTR protein levels as well as undetectable chloride conductance (Gregory RJ et al. Mol. Cell. Biol., 1991 Aug;11:3886-93; Van Goor F et al. J. Cyst. Fibros., 2014 Jan;13:29-36; Sosnay PR et al. Nat. Genet., 2013 Oct;45:1160-7). This amino acid position is highly conserved in available vertebrate species. In addition, this alteration is predicted to be deleterious by in silico analysis. Based on the supporting evidence, this variant is interpreted as a disease-causing mutation.

Mayo Clinic Laboratories, Mayo Clinic
Classification: Pathogenic. Last evaluated: 2025-10-22. Review status: criteria provided, single submitter. Criteria: ACMG Guidelines, 2015. Collection method: clinical testing. Allele origin: germline. Observed: 3 variant alleles. Not counted in ClinVar's aggregate classification.

Fulgent Genetics
Classification: Pathogenic for Hereditary pancreatitis; Bronchiectasis with or without elevated sweat chloride 1; Cystic fibrosis; Congenital bilateral aplasia of vas deferens from CFTR mutation. Last evaluated: 2024-06-04. Review status: criteria provided, single submitter. Criteria: ACMG Guidelines, 2015. Collection method: clinical testing. Allele origin: germline. Not counted in ClinVar's aggregate classification.

Baylor Genetics
Classification: Pathogenic for Bronchiectasis with or without elevated sweat chloride 1. Last evaluated: 2024-03-14. Review status: criteria provided, single submitter. Criteria: ACMG Guidelines, 2015. Collection method: clinical testing. Allele origin: unknown. Not counted in ClinVar's aggregate classification.

Revvity Omics, Revvity
Classification: Pathogenic. Last evaluated: 2022-08-23. Review status: criteria provided, single submitter. Criteria: ACMG Guidelines, 2015. Collection method: clinical testing. Allele origin: germline. Not counted in ClinVar's aggregate classification.

Myriad Genetics, Inc.
Classification: Pathogenic for Cystic fibrosis. Last evaluated: 2019-11-11. Review status: criteria provided, single submitter. Criteria: Myriad Women's Health Autosomal Recessive and X-Linked Classification Criteria (2019). Collection method: clinical testing. Allele origin: unknown. Not counted in ClinVar's aggregate classification.
Comment: NM_000492.3(CFTR):c.1675G>A(A559T) is classified as pathogenic in the context of cystic fibrosis and is associated with the classic form of disease. Sources cited for classification include the following: PMID 23974870, 18456578 and 1695717. Classification of NM_000492.3(CFTR):c.1675G>A(A559T) is based on the following criteria: This is a well-established pathogenic variant in the literature that has been observed more frequently in patients with clinical diagnoses than in healthy populations. Please note: this variant was assessed in the context of healthy population screening.â€šÃ„Ã¶âˆšÃ‘âˆšÂ£

Mendelics
Classification: Pathogenic for Cystic fibrosis. Last evaluated: 2018-11-05. Review status: criteria provided, single submitter. Criteria: Mendelics Assertion Criteria 2017. Collection method: clinical testing. Allele origin: unknown. Affected: yes. Not counted in ClinVar's aggregate classification.

Eurofins Ntd Llc (ga)
Classification: Pathogenic. Last evaluated: 2018-02-22. Review status: criteria provided, single submitter. Criteria: EGL ClinVar v180209 classification definitions. Collection method: clinical testing. Allele origin: germline. Observed: 6 variant alleles, 6 heterozygotes. Not counted in ClinVar's aggregate classification.

CFTR-France
Classification: Pathogenic for cystic fibrosis. Last evaluated: 2018-01-29. Review status: criteria provided, single submitter. Criteria: Claustres M et al. (Hum Mutat 2017). Collection method: curation. Allele origin: germline. Affected: yes. Not counted in ClinVar's aggregate classification.